The following is an entry in ClinVar:

ClinVar aggregate classification (germline): Likely benign (1 of 4 stars; one submission).

Submission:

CeGaT Center for Human Genetics Tuebingen
Classification: Likely benign. Last evaluated: 2025-01-01. Review status: criteria provided, single submitter. Criteria: CeGaT Center For Human Genetics Tuebingen Variant Classification Criteria Version 2. Collection method: clinical testing. Allele origin: germline. Affected: yes. Observed: 1 variant allele.
Comment: POLR2A: BP4, BP7

NM_000937.5(POLR2A):c.1449C>T (p.Arg483=)

Gene: POLR2A (RNA polymerase II subunit A; plus strand). Cytogenetic location: 17p13.1.
Variant type: single nucleotide variant.
Coding change: c.1449C>T on transcript NM_000937.5 (MANE Select); coding-DNA position 1449, C replaced by T.
Protein change: p.Arg483=; no amino-acid change (arginine 483 retained).
Molecular consequence: synonymous variant.
Genome position (GRCh38, 1-based): chr17:7,499,152, C>T. VCF-style: chr17-7499152-C-T. GRCh37 (hg19) VCF-style: chr17-7402471-C-T.
Identifiers: ClinVar variation 3772220 (VCV003772220.13).